The following is an entry in ClinVar:

ClinVar aggregate classification (germline): Likely pathogenic. Review status: criteria provided, multiple submitters, no conflicts (2 of 4 stars). 2 submissions from 2 submitters: Likely pathogenic (2). Last evaluated 2026-05-30.

Conditions:
Albinism or congenital nystagmus.

Allele frequency attached by ClinVar (database versions not stated): gnomAD exomes below 0.00001.
gnomAD v4.1: 1 of 1,611,564 alleles (0.000062%); highest among the groups gnomAD compares: African/African-American, 0.0013%; no homozygotes.

Submissions (2):

NHS Central & South Genomic Laboratory Hub
Classification: Likely pathogenic for Albinism or congenital nystagmus. Last evaluated: 2026-05-30. Review status: criteria provided, single submitter. Criteria: ACMG Guidelines, 2015. Collection method: clinical testing. Allele origin: germline. Affected: yes.

Labcorp Genetics (formerly Invitae), Labcorp
Classification: Likely pathogenic. Last evaluated: 2022-02-20. Review status: criteria provided, single submitter. Criteria: Invitae Variant Classification Sherloc (09022015). Collection method: clinical testing. Allele origin: germline.
Comment: In summary, the currently available evidence indicates that the variant is pathogenic, but additional data are needed to prove that conclusively. Therefore, this variant has been classified as Likely Pathogenic. This variant disrupts the p.Gly446 amino acid residue in TYR. Other variant(s) that disrupt this residue have been determined to be pathogenic (PMID: 27734839). This suggests that this residue is clinically significant, and that variants that disrupt this residue are likely to be disease-causing. Advanced modeling of protein sequence and biophysical properties (such as structural, functional, and spatial information, amino acid conservation, physicochemical variation, residue mobility, and thermodynamic stability) performed at Invitae indicates that this missense variant is expected to disrupt TYR protein function. This variant has not been reported in the literature in individuals affected with TYR-related conditions. This variant is not present in population databases (gnomAD no frequency). This sequence change replaces glycine, which is neutral and non-polar, with aspartic acid, which is acidic and polar, at codon 446 of the TYR protein (p.Gly446Asp).

Literature cited by the submitters: PubMed 27734839 (cited by Labcorp Genetics (formerly Invitae), Labcorp).

NM_000372.5(TYR):c.1337G>A (p.Gly446Asp)

Gene: TYR (tyrosinase; plus strand). Cytogenetic location: 11q14.3.
Variant type: single nucleotide variant.
Coding change: c.1337G>A on transcript NM_000372.5 (MANE Select); coding-DNA position 1337, G replaced by A.
Protein change: p.Gly446Asp; replaces glycine 446 with aspartic acid.
Molecular consequence: missense variant.
Genome position (GRCh38, 1-based): chr11:89,284,925, G>A. VCF-style: chr11-89284925-G-A. GRCh37 (hg19) VCF-style: chr11-89018093-G-A.
Other names: short protein forms G446D.
Identifiers: ClinVar variation 1983975 (VCV001983975.5), dbSNP rs2496712080, ClinGen allele CA382078134.
Genomic context (GRCh38, chr11:89,284,925, plus strand): 5'-TGGTTCCTTTTATACCACTGTACAGAAATGGTGATTTCTTTATTTCATCCAAAGATCTGG[G>A]CTATGACTATAGCTATCTACAAGATTCAGGTAAAGTTTACTTTCTTTCAGAGGAATTGCT-3'
Protein context (NP_000363.1, residues 436-456): GDFFISSKDL[Gly446Asp]YDYSYLQDSD